The following is an entry in ClinVar:

NM_017636.4(TRPM4):c.734G>A (p.Gly245Asp)

Gene: TRPM4 (transient receptor potential cation channel subfamily M member 4; plus strand). Cytogenetic location: 19q13.33.
Variant type: single nucleotide variant.
Coding change: c.734G>A on transcript NM_017636.4 (MANE Select); coding-DNA position 734, G replaced by A.
Protein change: p.Gly245Asp; replaces glycine 245 with aspartic acid.
Molecular consequence: missense variant. On other transcripts: 5 prime UTR variant (2).
Genome position (GRCh38, 1-based): chr19:49,168,674, G>A. VCF-style: chr19-49168674-G-A. GRCh37 (hg19) VCF-style: chr19-49671931-G-A.
Other names: c.734G>A, p.Gly245Asp (NM_001195227.2); c.389G>A, p.Gly130Asp (NM_001321281.2); c.-820G>A (NM_001321282.2); c.212G>A, p.Gly71Asp (NM_001321283.2); c.-116G>A (NM_001321285.2); short protein forms G130D, G71D, G245D.
Identifiers: ClinVar variation 1758445 (VCV001758445.8), dbSNP rs370112400, ClinGen allele CA9568924.
Genomic context (GRCh38, chr19:49,168,674, plus strand): 5'-TGGACTACAACTACTCGGCCTTCTTCCTGGTGGACGACGGCACACACGGCTGCCTGGGGG[G>A]CGAGAACCGCTTCCGCTTGCGCCTGGAGTCCTACATCTCACAGCAGAAGACGGGCGTGGG-3'
Protein context (NP_060106.2, residues 235-255): VDDGTHGCLG[Gly245Asp]ENRFRLRLES

ClinVar aggregate classification (germline): Uncertain significance. Review status: criteria provided, multiple submitters, no conflicts (2 of 4 stars). 2 submissions from 2 submitters: Uncertain significance (2). Last evaluated 2024-09-08.

Conditions:
Cardiovascular phenotype. Identifiers: MedGen CN230736.
Progressive familial heart block type IB (PFHB1B). Identifiers: Orphanet 871, MedGen C1970298, MONDO:0011474, OMIM 604559.

Allele frequency attached by ClinVar (database versions not stated): gnomAD 0.00001; TOPMed 0.00001; ESP Exome Variant Server 0.00008; ExAC 0.00001; gnomAD exomes 0.00001.
gnomAD v4.1: 20 of 1,612,286 alleles (0.0012%); highest among the groups gnomAD compares: Non-Finnish European, 0.0017%; no homozygotes.

Submissions (2):

Ambry Genetics
Classification: Uncertain significance for Cardiovascular phenotype. Last evaluated: 2024-09-08. Review status: criteria provided, single submitter. Criteria: Ambry Variant Classification Scheme 2023. Collection method: clinical testing. Allele origin: germline.
Comment: The p.G245D variant (also known as c.734G>A), located in coding exon 6 of the TRPM4 gene, results from a G to A substitution at nucleotide position 734. The glycine at codon 245 is replaced by aspartic acid, an amino acid with similar properties. This amino acid position is conserved. In addition, this alteration is predicted to be tolerated by in silico analysis. Since supporting evidence is limited at this time, the clinical significance of this alteration remains unclear.

Labcorp Genetics (formerly Invitae), Labcorp
Classification: Uncertain significance for Progressive familial heart block type IB. Last evaluated: 2023-11-17. Review status: criteria provided, single submitter. Criteria: Invitae Variant Classification Sherloc (09022015). Collection method: clinical testing. Allele origin: germline.
Comment: This sequence change replaces glycine, which is neutral and non-polar, with aspartic acid, which is acidic and polar, at codon 245 of the TRPM4 protein (p.Gly245Asp). This variant is present in population databases (rs370112400, gnomAD 0.0009%). This variant has not been reported in the literature in individuals affected with TRPM4-related conditions. ClinVar contains an entry for this variant (Variation ID: 1758445). An algorithm developed to predict the effect of missense changes on protein structure and function (PolyPhen-2) suggests that this variant is likely to be tolerated. In summary, the available evidence is currently insufficient to determine the role of this variant in disease. Therefore, it has been classified as a Variant of Uncertain Significance.